The following is an entry in ClinVar:

NM_020120.4(UGGT1):c.894G>C (p.Glu298Asp)

Gene: UGGT1 (UDP-glucose glycoprotein glucosyltransferase 1; plus strand). Cytogenetic location: 2q14.3.
Variant type: single nucleotide variant.
Coding change: c.894G>C on transcript NM_020120.4 (MANE Select); coding-DNA position 894, G replaced by C.
Protein change: p.Glu298Asp; replaces glutamic acid 298 with aspartic acid.
Molecular consequence: missense variant. On other transcripts: non-coding transcript variant (1).
Genome position (GRCh38, 1-based): chr2:128,120,377, G>C. VCF-style: chr2-128120377-G-C. GRCh37 (hg19) VCF-style: chr2-128877951-G-C.
Other names: short protein forms E298D.
Identifiers: ClinVar variation 4866314 (VCV004866314.1).

ClinVar aggregate classification (germline): Uncertain significance (1 of 4 stars; one submission).

gnomAD v4.1: 33 of 1,613,784 alleles (0.002%); highest among the groups gnomAD compares: Admixed American, 0.02%; no homozygotes.

Submission:

Ambry Genetics
Classification: Uncertain significance. Last evaluated: 2026-04-23. Review status: criteria provided, single submitter. Criteria: Ambry Variant Classification Scheme 2023. Collection method: clinical testing. Allele origin: germline.
Comment: The c.894G>C (p.E298D) alteration is located in exon 9 (coding exon 9) of the UGGT1 gene. This alteration results from a G to C substitution at nucleotide position 894, causing the glutamic acid (E) at amino acid position 298 to be replaced by an aspartic acid (D). Based on data from gnomAD, the C allele has an overall frequency of <0.001% (1/251124) total alleles studied. The highest observed frequency was 0.005% (1/18386) of East Asian alleles. Based on insufficient or conflicting evidence, the clinical significance of this alteration remains unclear.